The following is an entry in ClinVar:

NM_005245.4(FAT1):c.12868G>A (p.Glu4290Lys)

Gene: FAT1 (FAT atypical cadherin 1; minus strand). Cytogenetic location: 4q35.2.
Variant type: single nucleotide variant.
Coding change: c.12868G>A on transcript NM_005245.4 (MANE Select); coding-DNA position 12868, G replaced by A.
Protein change: p.Glu4290Lys; replaces glutamic acid 4290 with lysine.
Molecular consequence: missense variant.
Genome position (GRCh38, 1-based): chr4:186,596,672, C>T on the plus strand (G>A on the coding strand, the complement: FAT1 is on the minus strand). VCF-style: chr4-186596672-C-T. GRCh37 (hg19) VCF-style: chr4-187517826-C-T.
Other names: c.12868G>A (NM_005245.3); short protein forms E4290K.
Identifiers: ClinVar variation 1928320 (VCV001928320.5), dbSNP rs767252519, ClinGen allele CA3164731.

ClinVar aggregate classification (germline): Uncertain significance. Review status: criteria provided, multiple submitters, no conflicts (2 of 4 stars). 2 submissions from 2 submitters: Uncertain significance (2). Last evaluated 2023-12-18.

Conditions:
Inborn genetic diseases. Identifiers: MedGen C0950123, MeSH D030342.

Allele frequency attached by ClinVar (database versions not stated): TOPMed below 0.00001; gnomAD 0.00001; ExAC 0.00002; gnomAD exomes 0.00002.
gnomAD v4.1: 27 of 1,612,132 alleles (0.0017%); highest among the groups gnomAD compares: African/African-American, 0.0027%; no homozygotes.

Submissions (2):

Ambry Genetics
Classification: Uncertain significance for Inborn genetic diseases. Last evaluated: 2023-12-18. Review status: criteria provided, single submitter. Criteria: Ambry Variant Classification Scheme 2023. Collection method: clinical testing. Allele origin: germline.

Labcorp Genetics (formerly Invitae), Labcorp
Classification: Uncertain significance. Last evaluated: 2022-05-30. Review status: criteria provided, single submitter. Criteria: Invitae Variant Classification Sherloc (09022015). Collection method: clinical testing. Allele origin: germline.
Comment: In summary, the available evidence is currently insufficient to determine the role of this variant in disease. Therefore, it has been classified as a Variant of Uncertain Significance. Algorithms developed to predict the effect of missense changes on protein structure and function are either unavailable or do not agree on the potential impact of this missense change (SIFT: "Deleterious"; PolyPhen-2: "Benign"; Align-GVGD: "Class C15"). This variant has not been reported in the literature in individuals affected with FAT1-related conditions. This variant is present in population databases (rs767252519, gnomAD 0.008%). This sequence change replaces glutamic acid, which is acidic and polar, with lysine, which is basic and polar, at codon 4290 of the FAT1 protein (p.Glu4290Lys).